The following is an entry in ClinVar:

ClinVar aggregate classification (germline): Uncertain significance. Review status: criteria provided, multiple submitters, no conflicts (2 of 4 stars). 3 submissions from 3 submitters: Uncertain significance (3). Last evaluated 2026-04-30.

Conditions:
Autosomal recessive nonsyndromic hearing loss 77. Identifiers: Orphanet 90636, MedGen C2746083, MONDO:0013119, OMIM 613079.
Inborn genetic diseases. Identifiers: MedGen C0950123, MeSH D030342.

Allele frequency attached by ClinVar (database versions not stated): gnomAD exomes 0.00001; gnomAD 0.00002; TOPMed 0.00003.
gnomAD v4.1: 23 of 1,551,580 alleles (0.0015%); highest among the groups gnomAD compares: South Asian, 0.0059%; no homozygotes.

Submissions (3):

Laboratory of Molecular, Cellular and Translation Genetics in Otolaryngology/ Lim32-hcfmusp, University of Sao Paulo School of Medicine Clinics Hospital
Classification: Uncertain significance for Autosomal recessive nonsyndromic hearing loss 77. Last evaluated: 2026-04-30. Review status: criteria provided, single submitter. Criteria: ACMG Guidelines, 2015. Collection method: research. Allele origin: germline. Affected: yes.
Comment: NM_001384474.1:c.3856G>A:p.(Gly1286Arg). This variant has been classified as a variant of uncertain significance (VUS). It is rare in population databases (PM2_supporting). In silico prediction tools are inconclusive regarding its impact on protein function. Although the presence of two rare variants in LOXHD1 may suggest a potential association with the phenotype, the available evidence is currently insufficient to establish a definitive causal role for this variant in the proband as described in PMID: 42233699.

Ambry Genetics
Classification: Uncertain significance for Inborn genetic diseases. Last evaluated: 2024-01-30. Review status: criteria provided, single submitter. Criteria: Ambry Variant Classification Scheme 2023. Collection method: clinical testing. Allele origin: germline.

Labcorp Genetics (formerly Invitae), Labcorp
Classification: Uncertain significance. Last evaluated: 2022-03-04. Review status: criteria provided, single submitter. Criteria: Invitae Variant Classification Sherloc (09022015). Collection method: clinical testing. Allele origin: germline.
Comment: This sequence change replaces glycine, which is neutral and non-polar, with arginine, which is basic and polar, at codon 1286 of the LOXHD1 protein (p.Gly1286Arg). This variant is present in population databases (no rsID available, gnomAD 0.009%). This variant has not been reported in the literature in individuals affected with LOXHD1-related conditions. Algorithms developed to predict the effect of missense changes on protein structure and function (SIFT, PolyPhen-2, Align-GVGD) all suggest that this variant is likely to be disruptive. In summary, the available evidence is currently insufficient to determine the role of this variant in disease. Therefore, it has been classified as a Variant of Uncertain Significance.

Literature cited by the submitters: PubMed 42233699 (cited by Laboratory of Molecular, Cellular and Translation Genetics in Otolaryngology/ Lim32-hcfmusp, University of Sao Paulo School of Medicine Clinics Hospital).

NM_001384474.1(LOXHD1):c.3856G>A (p.Gly1286Arg)

Gene: LOXHD1 (lipoxygenase homology PLAT domains 1; minus strand). Cytogenetic location: 18q21.1.
Variant type: single nucleotide variant.
Coding change: c.3856G>A on transcript NM_001384474.1 (MANE Select); coding-DNA position 3856, G replaced by A.
Protein change: p.Gly1286Arg; replaces glycine 1286 with arginine.
Molecular consequence: missense variant.
Genome position (GRCh38, 1-based): chr18:46,541,833, C>T on the plus strand (G>A on the coding strand, the complement: LOXHD1 is on the minus strand). VCF-style: chr18-46541833-C-T. GRCh37 (hg19) VCF-style: chr18-44121796-C-T.
Other names: c.523G>A, p.Gly175Arg (NM_001145472.3); c.235G>A, p.Gly79Arg (NM_001308013.2); c.3856G>A, p.Gly1286Arg (NM_144612.7); c.3856G>A (NM_144612.6); short protein forms G1286R, G175R, G79R.
Identifiers: ClinVar variation 2199843 (VCV002199843.4), dbSNP rs1011743705, ClinGen allele CA299805678.